The following is an entry in ClinVar:

ClinVar aggregate classification (germline): Uncertain significance (1 of 4 stars; one submission).

Conditions:
Long QT syndrome (LQTS). Identifiers: MedGen C0023976, MeSH D008133, MONDO:0002442. Disease mechanism: loss of function. Inheritance: Various modes of inheritance.

Allele frequency attached by ClinVar (database versions not stated): TOPMed below 0.00001.

Submission:

Labcorp Genetics (formerly Invitae), Labcorp
Classification: Uncertain significance for Long QT syndrome. Last evaluated: 2020-05-21. Review status: criteria provided, single submitter. Criteria: Invitae Variant Classification Sherloc (09022015). Collection method: clinical testing. Allele origin: germline.
Comment: In summary, the available evidence is currently insufficient to determine the role of this variant in disease. Therefore, it has been classified as a Variant of Uncertain Significance. Nucleotide substitutions within the consensus splice site are a relatively common cause of aberrant splicing (PMID: 17576681, 9536098). Algorithms developed to predict the effect of sequence changes on RNA splicing suggest that this variant is not likely to affect RNA splicing, but this prediction has not been confirmed by published transcriptional studies. This variant has not been reported in the literature in individuals with ANK2-related conditions. This variant is not present in population databases (ExAC no frequency). This sequence change falls in intron 8 of the ANK2 gene. It does not directly change the encoded amino acid sequence of the ANK2 protein, but it affects a nucleotide within the consensus splice site of the intron.

Literature cited by the submitters: PubMed 17576681; PubMed 9536098.

NM_001148.6(ANK2):c.792+6G>A

Gene: ANK2 (ankyrin 2; plus strand). Cytogenetic location: 4q26.
Variant type: single nucleotide variant.
Coding change: c.792+6G>A on transcript NM_001148.6 (MANE Select); 6 bases into the intron after coding-DNA position 792, G replaced by A.
Molecular consequence: intron variant.
Genome position (GRCh38, 1-based): chr4:113,240,589, G>A. VCF-style: chr4-113240589-G-A. GRCh37 (hg19) VCF-style: chr4-114161745-G-A.
Other names: c.780+6G>A (NM_001386186.2, NM_001386148.2, NM_001354269.3); c.756+6G>A (NM_001386187.2); c.750+6G>A (NM_001386147.1, NM_001386160.1, NM_001354261.2); c.729+6G>A (NM_001354254.2, NM_001354239.2, NM_001354252.2 and 14 more transcripts); c.705+6G>A (NM_001354249.2, NM_001354266.2, NM_001354276.2 and 16 more transcripts); c.837+6G>A (NM_001354241.2, NM_001386152.1, NM_001354237.2 and 5 more transcripts); c.792+6G>A (NM_001354225.2, NM_001354235.2, NM_001354246.2 and 9 more transcripts); c.843+6G>A (NM_001386174.1); and 1 more.
Identifiers: ClinVar variation 1063040 (VCV001063040.5), dbSNP rs900693189, ClinGen allele CA103797265.